The following is an entry in ClinVar:

NM_005912.3(MC4R):c.571A>T (p.Ser191Cys)

Gene: MC4R (melanocortin 4 receptor; minus strand). Cytogenetic location: 18q21.32.
Variant type: single nucleotide variant.
Coding change: c.571A>T on transcript NM_005912.3 (MANE Select); coding-DNA position 571, A replaced by T.
Protein change: p.Ser191Cys; replaces serine 191 with cysteine.
Molecular consequence: missense variant.
Genome position (GRCh38, 1-based): chr18:60,371,779, T>A on the plus strand (A>T on the coding strand, the complement: MC4R is on the minus strand). VCF-style: chr18-60371779-T-A. GRCh37 (hg19) VCF-style: chr18-58039012-T-A.
Other names: short protein forms S191C.
Identifiers: ClinVar variation 3348841 (VCV003348841.1).

ClinVar aggregate classification (germline): Uncertain significance (0 of 4 stars; one submission).

Conditions:
MC4R-related disorder. Also called: MC4R-related condition.

Submission:

PreventionGenetics, part of Exact Sciences
Classification: Uncertain significance for MC4R-related condition. Last evaluated: 2024-03-21. Review status: no assertion criteria provided. Collection method: clinical testing. Allele origin: germline.
Comment: The MC4R c.571A>T variant is predicted to result in the amino acid substitution p.Ser191Cys. To our knowledge, this variant has not been reported in the literature or in a large population database, indicating this variant is rare. At this time, the clinical significance of this variant is uncertain due to the absence of conclusive functional and genetic evidence.